The following is an entry in ClinVar:

NM_022437.3(ABCG8):c.1540C>T (p.Pro514Ser)

Gene: ABCG8 (ATP binding cassette subfamily G member 8; plus strand). Cytogenetic location: 2p21.
Variant type: single nucleotide variant.
Coding change: c.1540C>T on transcript NM_022437.3 (MANE Select); coding-DNA position 1540, C replaced by T.
Protein change: p.Pro514Ser; replaces proline 514 with serine.
Molecular consequence: missense variant.
Genome position (GRCh38, 1-based): chr2:43,875,197, C>T. VCF-style: chr2-43875197-C-T. GRCh37 (hg19) VCF-style: chr2-44102336-C-T.
Other names: c.1537C>T, p.Pro513Ser (NM_001357321.2); short protein forms P513S, P514S.
Identifiers: ClinVar variation 2565403 (VCV002565403.2), dbSNP rs2466282845, ClinGen allele CA346670308.

ClinVar aggregate classification (germline): Uncertain significance (1 of 4 stars; one submission).

Conditions:
Cardiovascular phenotype. Identifiers: MedGen CN230736.

gnomAD v4.1: 2 of 1,614,218 alleles (0.00012%); highest among the groups gnomAD compares: Non-Finnish European, 0.00017%; no homozygotes.

Submission:

Ambry Genetics
Classification: Uncertain significance for Cardiovascular phenotype. Last evaluated: 2023-03-19. Review status: criteria provided, single submitter. Criteria: Ambry Variant Classification Scheme 2023. Collection method: clinical testing. Allele origin: germline.
Comment: The p.P514S variant (also known as c.1540C>T), located in coding exon 11 of the ABCG8 gene, results from a C to T substitution at nucleotide position 1540. The proline at codon 514 is replaced by serine, an amino acid with similar properties. This amino acid position is conserved. In addition, the in silico prediction for this alteration is inconclusive. Since supporting evidence is limited at this time, the clinical significance of this alteration remains unclear.